The following is an entry in ClinVar:

NM_015141.4(GPD1L):c.820A>G (p.Arg274Gly)

Gene: GPD1L (glycerol-3-phosphate dehydrogenase 1 like; plus strand). Cytogenetic location: 3p22.3.
Variant type: single nucleotide variant.
Coding change: c.820A>G on transcript NM_015141.4 (MANE Select); coding-DNA position 820, A replaced by G.
Protein change: p.Arg274Gly; replaces arginine 274 with glycine.
Molecular consequence: missense variant.
Genome position (GRCh38, 1-based): chr3:32,159,077, A>G. VCF-style: chr3-32159077-A-G. GRCh37 (hg19) VCF-style: chr3-32200569-A-G.
Other names: short protein forms R274G.
Identifiers: ClinVar variation 3854961 (VCV003854961.1).

ClinVar aggregate classification (germline): Uncertain significance (1 of 4 stars; one submission).

Conditions:
Cardiovascular phenotype. Identifiers: MedGen CN230736.

Submission:

Ambry Genetics
Classification: Uncertain significance for Cardiovascular phenotype. Last evaluated: 2025-02-01. Review status: criteria provided, single submitter. Criteria: Ambry Variant Classification Scheme 2023. Collection method: clinical testing. Allele origin: germline.
Comment: The p.R274G variant (also known as c.820A>G), located in coding exon 6 of the GPD1L gene, results from an A to G substitution at nucleotide position 820. The arginine at codon 274 is replaced by glycine, an amino acid with dissimilar properties. This amino acid position is conserved. In addition, the in silico prediction for this alteration is inconclusive. Based on the available evidence, the clinical significance of this variant remains unclear.